The following is an entry in ClinVar:

NM_000277.3(PAH):c.920del (p.Gly307fs)

Gene: PAH (phenylalanine hydroxylase; minus strand). Cytogenetic location: 12q23.2.
Variant type: Deletion.
Coding change: c.920del on transcript NM_000277.3 (MANE Select); coding-DNA position 920, one base deleted (G; older notation c.920delG).
Protein change: p.Gly307fs; shifts the reading frame from glycine 307.
Molecular consequence: frameshift variant.
Genome position (GRCh38, 1-based): chr12:102,846,944, C deleted on the plus strand (G on the coding strand, the reverse complement: PAH is on the minus strand); the first of 2 consecutive C bases (chr12:102,846,944-102,846,945); deleting either gives the same sequence. VCF-style (leftmost placement, unchanged base first): chr12-102846943-GC-G. GRCh37 (hg19) VCF-style: chr12-103240721-GC-G.
Other names: c.920del, p.Gly307fs (NM_001354304.2); short protein forms G307fs.
Identifiers: ClinVar variation 1065385 (VCV001065385.1), dbSNP rs2136639687, ClinGen allele CA16020897.
Genomic context (GRCh38, chr12:102,846,943, plus strand): 5'-GAAGGGACTTACTGTGGCGAGCTTTTCAATGTATTCATCAGGTGCACCCAGAGAGGCAAG[GC>G]CAATTTCCTGTAATTGGGGGAAAATAGAACCTGTTCTGTTCCTGTAATTGGAACCACAGA-3'

ClinVar aggregate classification (germline): Pathogenic (3 of 4 stars; one submission).

Conditions:
Phenylketonuria (PKU). Also called: Phenylketonurias; Phenylketonuria (PKU); OLIGOPHRENIA PHENYLPYRUVICA; FOLLING DISEASE. Identifiers: Orphanet 716, MedGen C0031485, MONDO:0009861, OMIM 261600. Disease mechanism: loss of function.

Submission:

ClinGen PAH Variant Curation Expert Panel
Classification: Pathogenic for Phenylketonuria. Last evaluated: 2020-12-08. Review status: reviewed by expert panel. Criteria: ClinGen PAH ACMG Specifications v1. Collection method: curation. Allele origin: germline. Inheritance: Autosomal recessive inheritance.
Comment: The frameshift variant NM_000277.3(PAH):c.919del (p.Gly307AlafsTer34) occurs in exon 9 of 13 and is predicted to result in NMD. The variant is absent from population databases, including gnomAD. One patient has been reported (PMID: 23430918) with this variant. In summary, this variant meets criteria to be classified as Pathogenic for PAH. PAH-specific ACMG/AMP criteria applied: PVS1, PM2, PP4.